The following is an entry in ClinVar:

NM_000038.6(APC):c.1601A>G (p.Lys534Arg)

Gene: APC (APC regulator of Wnt signaling pathway; plus strand). Cytogenetic location: 5q22.2.
Variant type: single nucleotide variant.
Coding change: c.1601A>G on transcript NM_000038.6 (MANE Select); coding-DNA position 1601, A replaced by G.
Protein change: p.Lys534Arg; replaces lysine 534 with arginine.
Molecular consequence: missense variant.
Genome position (GRCh38, 1-based): chr5:112,827,981, A>G. VCF-style: chr5-112827981-A-G. GRCh37 (hg19) VCF-style: chr5-112163678-A-G.
Other names: c.1121A>G, p.Lys374Arg (NM_001354905.2); c.752A>G, p.Lys251Arg (NM_001354906.2); c.1601A>G, p.Lys534Arg (NM_001127510.3, NM_001354895.2); c.1547A>G, p.Lys516Arg (NM_001127511.3); c.1655A>G, p.Lys552Arg (NM_001354896.2); c.1631A>G, p.Lys544Arg (NM_001354897.2); c.1526A>G, p.Lys509Arg (NM_001354898.2); c.1517A>G, p.Lys506Arg (NM_001354899.2); and 5 more; short protein forms K251R, K374R, K408R, K433R, K443R, K475R, K493R, K506R.
Identifiers: ClinVar variation 1327576 (VCV001327576.8), dbSNP rs2149813808, ClinGen allele CA16024801.
Genomic context (GRCh38, chr5:112,827,981, plus strand): 5'-ATTTACAGGCTACGCTATGCTCTATGAAAGGCTGCATGAGAGCACTTGTGGCCCAACTAA[A>G]ATCTGAAAGTGAAGACTTACAGCAGGTACTATTTAGAATTTCACCTGTTTTTCTTTTTTC-3'
Protein context (NP_000029.2, residues 524-544): GCMRALVAQL[Lys534Arg]SESEDLQQVI

ClinVar aggregate classification (germline): Uncertain significance. Review status: criteria provided, multiple submitters, no conflicts (2 of 4 stars). 2 submissions from 2 submitters: Uncertain significance (2). Last evaluated 2021-12-28.

Conditions:
Familial adenomatous polyposis 1 (FAP1). Also called: FAMILIAL ADENOMATOUS POLYPOSIS 1, ATTENUATED; POLYPOSIS, ADENOMATOUS INTESTINAL. Identifiers: MedGen C2713442, MONDO:0021056, OMIM 175100. Disease mechanism: loss of function.

Submissions (2):

Labcorp Genetics (formerly Invitae), Labcorp
Classification: Uncertain significance for Familial adenomatous polyposis 1. Last evaluated: 2021-12-28. Review status: criteria provided, single submitter. Criteria: Invitae Variant Classification Sherloc (09022015). Collection method: clinical testing. Allele origin: germline.
Comment: In summary, the available evidence is currently insufficient to determine the role of this variant in disease. Therefore, it has been classified as a Variant of Uncertain Significance. Algorithms developed to predict the effect of sequence changes on RNA splicing suggest that this variant may create or strengthen a splice site. Algorithms developed to predict the effect of missense changes on protein structure and function are either unavailable or do not agree on the potential impact of this missense change (SIFT: "Deleterious"; PolyPhen-2: "Benign"; Align-GVGD: "Class C0"). This variant has not been reported in the literature in individuals affected with APC-related conditions. This variant is not present in population databases (gnomAD no frequency). This sequence change replaces lysine, which is basic and polar, with arginine, which is basic and polar, at codon 534 of the APC protein (p.Lys534Arg).

St. Jude Molecular Pathology, St. Jude Children's Research Hospital
Classification: Uncertain significance for Familial adenomatous polyposis 1. Last evaluated: 2021-12-09. Review status: criteria provided, single submitter. Criteria: St. Jude Assertion Criteria 2020. Collection method: clinical testing. Allele origin: germline.
Comment: The APC c.1601A>G (p.Lys534Arg) missense change is absent in gnomAD v2.1.1 (PM2_supporting). Five of seven in silico tools predict a benign effect of this variant on protein function (BP4), but to our knowledge these predictions have not been confirmed by functional assays. To our knowledge, this variant has not been reported in individuals with APC-related familial adenomatous polyposis. In summary, this variant meets criteria to be classified as of uncertain significance based on the ACMG/AMP criteria: PM2_supporitng, BP4.